The following is an entry in ClinVar:

ClinVar aggregate classification (germline): Uncertain significance. Review status: criteria provided, single submitter (1 of 4 stars). 2 submissions from 2 submitters: Uncertain significance (1). 1 of the submissions does not count toward it. Last evaluated 2024-05-24.

Conditions:
ABCB4-related disorder. Also called: ABCB4-related disorders; ABCB4-related condition.

gnomAD v4.1: 1 of 1,613,772 alleles (0.000062%); highest among the groups gnomAD compares: African/African-American, 0.0013%; no homozygotes.

Submissions (2):

Labcorp Genetics (formerly Invitae), Labcorp
Classification: Uncertain significance. Last evaluated: 2024-05-24. Review status: criteria provided, single submitter. Criteria: Invitae Variant Classification Sherloc (09022015). Collection method: clinical testing. Allele origin: germline.
Comment: This sequence change replaces glycine, which is neutral and non-polar, with alanine, which is neutral and non-polar, at codon 938 of the ABCB4 protein (p.Gly938Ala). This variant is not present in population databases (gnomAD no frequency). This variant has not been reported in the literature in individuals affected with ABCB4-related conditions. Advanced modeling of protein sequence and biophysical properties (such as structural, functional, and spatial information, amino acid conservation, physicochemical variation, residue mobility, and thermodynamic stability) has been performed at Invitae for this missense variant, however the output from this modeling did not meet the statistical confidence thresholds required to predict the impact of this variant on ABCB4 protein function. Algorithms developed to predict the effect of sequence changes on RNA splicing suggest that this variant may disrupt the consensus splice site. In summary, the available evidence is currently insufficient to determine the role of this variant in disease. Therefore, it has been classified as a Variant of Uncertain Significance.

PreventionGenetics, part of Exact Sciences
Classification: Uncertain significance for ABCB4-related condition. Last evaluated: 2024-06-19. Review status: no assertion criteria provided. Collection method: clinical testing. Allele origin: germline. Not counted in ClinVar's aggregate classification.
Comment: The ABCB4 c.2813G>C variant is predicted to result in the amino acid substitution p.Gly938Ala. To our knowledge, this variant has not been reported in the literature or in a large population database, indicating this variant is rare. At this time, the clinical significance of this variant is uncertain due to the absence of conclusive functional and genetic evidence.

NM_000443.4(ABCB4):c.2813G>C (p.Gly938Ala)

Gene: ABCB4 (ATP binding cassette subfamily B member 4; minus strand). Cytogenetic location: 7q21.12.
Variant type: single nucleotide variant.
Coding change: c.2813G>C on transcript NM_000443.4 (MANE Select); coding-DNA position 2813, G replaced by C.
Protein change: p.Gly938Ala; replaces glycine 938 with alanine.
Molecular consequence: missense variant. On other transcripts: intron variant (1).
Genome position (GRCh38, 1-based): chr7:87,412,004, C>G on the plus strand (G>C on the coding strand, the complement: ABCB4 is on the minus strand). VCF-style: chr7-87412004-C-G. GRCh37 (hg19) VCF-style: chr7-87041320-C-G.
Other names: c.2813G>C, p.Gly938Ala (NM_018849.3); c.2783+1613G>C (NM_018850.3); short protein forms G938A.
Identifiers: ClinVar variation 3344132 (VCV003344132.3).